The following is an entry in ClinVar:

NM_001875.5(CPS1):c.1714G>A (p.Asp572Asn)

Gene: CPS1 (carbamoyl-phosphate synthase 1; plus strand). Cytogenetic location: 2q34.
Variant type: single nucleotide variant.
Coding change: c.1714G>A on transcript NM_001875.5 (MANE Select); coding-DNA position 1714, G replaced by A.
Protein change: p.Asp572Asn; replaces aspartic acid 572 with asparagine.
Molecular consequence: missense variant. On other transcripts: non-coding transcript variant (2).
Genome position (GRCh38, 1-based): chr2:210,602,208, G>A. VCF-style: chr2-210602208-G-A. GRCh37 (hg19) VCF-style: chr2-211466932-G-A.
Other names: c.1714G>A, p.Asp572Asn (NM_001122633.3, NM_001369257.1); c.1747G>A, p.Asp583Asn (NM_001369256.1); short protein forms D572N, D583N.
Identifiers: ClinVar variation 715412 (VCV000715412.18), dbSNP rs142916171, ClinGen allele CA2086452.

ClinVar aggregate classification (germline): Conflicting classifications of pathogenicity. Review status: criteria provided, conflicting classifications (1 of 4 stars). 4 submissions from 4 submitters: Uncertain significance (1); Benign (1); Likely benign (1). 1 of the submissions does not count toward it. Last evaluated 2026-01-28.

Conditions:
CPS1-related disorder. Also called: CPS1-related condition.
Congenital hyperammonemia, type I. Also called: Carbamoyl phosphate synthetase I deficiency disease; Carbamoyl phosphate synthetase 1 deficiency; Hyperammonemia due to carbamoyl phosphate synthetase 1 deficiency; CPS 1 deficiency; Carbamyl phosphate synthetase (CPS) deficiency; Carbamoyl-phosphate synthase I deficiency. Identifiers: Orphanet 147, MedGen C4082171, MONDO:0009376, OMIM 237300.

Allele frequency attached by ClinVar (database versions not stated): gnomAD exomes 0.00053; gnomAD 0.00063 and 0.00065; TOPMed 0.00063; ExAC 0.00075; ESP Exome Variant Server 0.00108.
gnomAD v4.1: 929 of 1,612,142 alleles (0.058%); highest among the groups gnomAD compares: Non-Finnish European, 0.011%; 6 homozygotes.

Submissions (4):

Labcorp Genetics (formerly Invitae), Labcorp
Classification: Benign for Congenital hyperammonemia, type I. Last evaluated: 2026-01-28. Review status: criteria provided, single submitter. Criteria: Invitae Variant Classification Sherloc (09022015). Collection method: clinical testing. Allele origin: germline.

PreventionGenetics, part of Exact Sciences
Classification: Likely benign for CPS1-related condition. Last evaluated: 2025-08-30. Review status: criteria provided, single submitter. Criteria: ACMG Guidelines, 2015. Collection method: clinical testing. Allele origin: germline.
Comment: This variant is classified as likely benign based on ACMG/AMP sequence variant interpretation guidelines (Richards et al. 2015 PMID: 25741868, with internal and published modifications).

Illumina Laboratory Services, Illumina
Classification: Uncertain significance for Congenital hyperammonemia, type I. Last evaluated: 2018-01-13. Review status: criteria provided, single submitter. Criteria: ICSL Variant Classification Criteria 13 December 2019. Collection method: clinical testing. Allele origin: germline.

Natera, Inc.
Classification: Likely benign for Carbamoyl-phosphate synthase I deficiency. Last evaluated: 2019-12-18. Review status: no assertion criteria provided. Collection method: clinical testing. Allele origin: germline. Not counted in ClinVar's aggregate classification.